The following is an entry in ClinVar:

NM_003901.4(SGPL1):c.61G>T (p.Val21Leu)

Gene: SGPL1 (sphingosine-1-phosphate lyase 1; plus strand). Cytogenetic location: 10q22.1.
Variant type: single nucleotide variant.
Coding change: c.61G>T on transcript NM_003901.4 (MANE Select); coding-DNA position 61, G replaced by T.
Protein change: p.Val21Leu; replaces valine 21 with leucine.
Molecular consequence: missense variant.
Genome position (GRCh38, 1-based): chr10:70,844,506, G>T. VCF-style: chr10-70844506-G-T. GRCh37 (hg19) VCF-style: chr10-72604263-G-T.
Other names: p.Val21Leu; short protein forms V21L.
Identifiers: ClinVar variation 1232847 (VCV001232847.16), dbSNP rs12770335, ClinGen allele CA5541078.
Genomic context (GRCh38, chr10:70,844,506, plus strand): 5'-GTTTTTATTTTTCACTTGTATTTCTAGAAGGCCTTTGAGCCCTACTTAGAGATTTTGGAA[G>T]TATACTCCACAAAAGCCAAGAATTATGTAAATGGACATTGCACCAAGTATGAGCCCTGGC-3'
Protein context (NP_003892.2, residues 11-31): AFEPYLEILE[Val21Leu]YSTKAKNYVN

ClinVar aggregate classification (germline): Benign. Review status: criteria provided, multiple submitters, no conflicts (2 of 4 stars). 6 submissions from 6 submitters: Benign (6). Last evaluated 2026-02-04.

Conditions:
Nephrotic syndrome 14. Also called: RENI SYNDROME; RENAL, ENDOCRINE, NEUROLOGIC, AND IMMUNE SYNDROME; Sphingosine Phosphate Lyase Insufficiency Syndrome. Identifiers: Orphanet 506334, MedGen C4540559, MONDO:0033203, OMIM 617575.

Allele frequency attached by ClinVar (database versions not stated): 1000 Genomes Project 0.04892; 1000 Genomes Project 30x 0.05012; TOPMed 0.08938; gnomAD exomes 0.09153; ExAC 0.09196; gnomAD 0.09329 and 0.09643; ESP Exome Variant Server 0.10434.
gnomAD v4.1: 187,941 of 1,613,196 alleles (12%); highest among the groups gnomAD compares: Non-Finnish European, 14%; 12,514 homozygotes.

Submissions (6):

Labcorp Genetics (formerly Invitae), Labcorp
Classification: Benign. Last evaluated: 2026-02-04. Review status: criteria provided, single submitter. Criteria: Invitae Variant Classification Sherloc (09022015). Collection method: clinical testing. Allele origin: germline.

Blueprint Genetics
Classification: Benign. Last evaluated: 2024-11-27. Review status: criteria provided, single submitter. Criteria: ACMG Guidelines, 2015. Collection method: clinical testing. Allele origin: germline.

Victorian Clinical Genetics Services, Murdoch Childrens Research Institute
Classification: Benign for Nephrotic syndrome 14. Last evaluated: 2022-06-24. Review status: criteria provided, single submitter. Criteria: ACMG Guidelines, 2015. Collection method: clinical testing. Allele origin: germline. Inheritance: Autosomal recessive inheritance.
Comment: Based on the classification scheme VCGS_Germline_v1.3.4, this variant is classified as benign. Following criteria are met: 0102 - Loss of function is a known mechanism of disease in this gene and is associated with nephrotic syndrome, type 14 (MIM#617575). (I) 0106 - This gene is associated with autosomal recessive disease. (I) 0200 - Variant is predicted to result in a missense amino acid change from valine to leucine. (I) 0251 - This variant is heterozygous. (I) 0308 - Population frequency for this variant is out of keeping with known incidence of nephrotic syndrome (gnomAD v2: 22998 heterozygotes, 1586 homozygotes). (SB) 0503 - Missense variant consistently predicted to be tolerated by multiple in silico tools or not conserved in placental mammals with a minor amino acid change. (SB) 0604 - Variant is not located in an established domain, motif, hotspot or informative constraint region. (I) 0805 - This variant has strong previous evidence of being benign in unrelated individuals. This variant has been classified multiple times as benign (ClinVar, LOVD). (SB) 1208 - Inheritance information for this variant is not currently available in this individual. (I) Legend: (SP) - Supporting pathogenic, (I) - Information, (SB) - Supporting benign

Mayo Clinic Laboratories, Mayo Clinic
Classification: Benign. Last evaluated: 2022-03-09. Review status: criteria provided, single submitter. Criteria: ACMG Guidelines, 2015. Collection method: clinical testing. Allele origin: germline. Observed: 29 variant alleles.

GeneDx
Classification: Benign. Last evaluated: 2019-12-05. Review status: criteria provided, single submitter. Criteria: GeneDx Variant Classification Process June 2021. Collection method: clinical testing. Allele origin: germline. Affected: yes.

Breakthrough Genomics
Classification: Benign. Review status: criteria provided, single submitter. Criteria: ACMG Guidelines, 2015. Collection method: not provided. Allele origin: germline. Inheritance: Autosomal recessive inheritance. Affected: yes.